The following is an entry in ClinVar:

NM_020738.4(KIDINS220):c.3144G>A (p.Leu1048=)

Gene: KIDINS220 (kinase D interacting substrate 220; minus strand). Cytogenetic location: 2p25.1.
Variant type: single nucleotide variant.
Coding change: c.3144G>A on transcript NM_020738.4 (MANE Select); coding-DNA position 3144, G replaced by A.
Protein change: p.Leu1048=; no amino-acid change (leucine 1048 retained).
Molecular consequence: synonymous variant. On other transcripts: non-coding transcript variant (2).
Genome position (GRCh38, 1-based): chr2:8,751,512, C>T on the plus strand (G>A on the coding strand, the complement: KIDINS220 is on the minus strand). VCF-style: chr2-8751512-C-T. GRCh37 (hg19) VCF-style: chr2-8891642-C-T.
Other names: c.3147G>A, p.Leu1049= (NM_001348729.2, NM_001348731.2, NM_001348734.2 and 2 more transcripts); c.3144G>A, p.Leu1048= (NM_001348732.2, NM_001348735.2, NM_001348738.2 and 3 more transcripts); c.3018G>A, p.Leu1006= (NM_001348736.2); c.3144G>A (NM_020738.2).
Identifiers: ClinVar variation 1950293 (VCV001950293.6), dbSNP rs367860069, ClinGen allele CA1519763.

ClinVar aggregate classification (germline): Likely benign. Review status: criteria provided, single submitter (1 of 4 stars). 2 submissions from 2 submitters: Likely benign (1). 1 of the submissions does not count toward it. Last evaluated 2024-12-25.

Conditions:
KIDINS220-related disorder. Also called: KIDINS220-related condition.

Allele frequency attached by ClinVar (database versions not stated): gnomAD 0.00001; TOPMed 0.00003; gnomAD exomes 0.00004; ESP Exome Variant Server 0.00008.
gnomAD v4.1: 59 of 1,613,264 alleles (0.0037%); highest among the groups gnomAD compares: Non-Finnish European, 0.0047%; no homozygotes.

Submissions (2):

Labcorp Genetics (formerly Invitae), Labcorp
Classification: Likely benign. Last evaluated: 2024-12-25. Review status: criteria provided, single submitter. Criteria: Invitae Variant Classification Sherloc (09022015). Collection method: clinical testing. Allele origin: germline.

PreventionGenetics, part of Exact Sciences
Classification: Likely benign for KIDINS220-related condition. Last evaluated: 2024-09-01. Review status: no assertion criteria provided. Collection method: clinical testing. Allele origin: germline. Not counted in ClinVar's aggregate classification.
Comment: This variant is classified as likely benign based on ACMG/AMP sequence variant interpretation guidelines (Richards et al. 2015 PMID: 25741868, with internal and published modifications).